The following is an entry in ClinVar:

ClinVar aggregate classification (germline): Uncertain significance. Review status: criteria provided, multiple submitters, no conflicts (2 of 4 stars). 2 submissions from 2 submitters: Uncertain significance (2). Last evaluated 2024-12-15.

Conditions:
Parathyroid carcinoma (PRTC). Also called: CDC73-Related Parathyroid Carcinoma; Parathyroid gland carcinoma. Identifiers: Orphanet 143, MedGen C0687150, MONDO:0012004, OMIM 608266, HP:0006780.
Hereditary cancer-predisposing syndrome. Also called: Tumor predisposition; Neoplastic Syndromes, Hereditary; Hereditary Cancer Syndrome; Hereditary neoplastic syndrome. Identifiers: Orphanet 140162, MedGen C0027672, MeSH D009386, MONDO:0015356.

Submissions (2):

Ambry Genetics
Classification: Uncertain significance for Hereditary cancer-predisposing syndrome. Last evaluated: 2024-12-15. Review status: criteria provided, single submitter. Criteria: Ambry Variant Classification Scheme 2023. Collection method: clinical testing. Allele origin: germline.
Comment: The p.L132I variant (also known as c.394T>A), located in coding exon 5 of the CDC73 gene, results from a T to A substitution at nucleotide position 394. The leucine at codon 132 is replaced by isoleucine, an amino acid with highly similar properties. This amino acid position is conserved. In addition, this alteration is predicted to be tolerated by in silico analysis. Based on the available evidence, the clinical significance of this variant remains unclear.

Labcorp Genetics (formerly Invitae), Labcorp
Classification: Uncertain significance for Parathyroid carcinoma. Last evaluated: 2024-08-12. Review status: criteria provided, single submitter. Criteria: Invitae Variant Classification Sherloc (09022015). Collection method: clinical testing. Allele origin: germline.
Comment: This sequence change replaces leucine, which is neutral and non-polar, with isoleucine, which is neutral and non-polar, at codon 132 of the CDC73 protein (p.Leu132Ile). This variant is not present in population databases (gnomAD no frequency). This variant has not been reported in the literature in individuals affected with CDC73-related conditions. Advanced modeling of protein sequence and biophysical properties (such as structural, functional, and spatial information, amino acid conservation, physicochemical variation, residue mobility, and thermodynamic stability) performed at Invitae indicates that this missense variant is not expected to disrupt CDC73 protein function with a negative predictive value of 80%. In summary, the available evidence is currently insufficient to determine the role of this variant in disease. Therefore, it has been classified as a Variant of Uncertain Significance.

NM_024529.5(CDC73):c.394T>A (p.Leu132Ile)

Gene: CDC73 (cell division cycle 73; plus strand). Cytogenetic location: 1q31.2.
Variant type: single nucleotide variant.
Coding change: c.394T>A on transcript NM_024529.5 (MANE Select); coding-DNA position 394, T replaced by A.
Protein change: p.Leu132Ile; replaces leucine 132 with isoleucine.
Molecular consequence: missense variant.
Genome position (GRCh38, 1-based): chr1:193,135,560, T>A. VCF-style: chr1-193135560-T-A. GRCh37 (hg19) VCF-style: chr1-193104690-T-A.
Other names: short protein forms L132I.
Identifiers: ClinVar variation 3693392 (VCV003693392.3).